The following is an entry in ClinVar:

NM_001122630.2(CDKN1C):c.*5+18dup

Gene: CDKN1C (cyclin dependent kinase inhibitor 1C; minus strand). Cytogenetic location: 11p15.4.
Variant type: Duplication.
Coding change: c.*5+18dup on transcript NM_001122630.2 (MANE Select); 18 bases into the intron after 5 bases downstream of the stop codon, one base duplicated (G; older notation c.*5+18dupG).
Molecular consequence: intron variant.
Genome position (GRCh38, 1-based): chr11:2,883,975, C duplicated on the plus strand (G on the coding strand, the reverse complement: CDKN1C is on the minus strand); the first of 7 consecutive C bases (chr11:2,883,975-2,883,981); duplicating any one gives the same sequence. VCF-style (leftmost placement, unchanged base first): chr11-2883974-G-GC. GRCh37 (hg19) VCF-style: chr11-2905204-G-GC.
Other names: c.391+18dup (NM_001362475.2); c.*5+18dup (NM_001122631.2, NM_001362474.2, NM_000076.2); c.*5+24dupG (NM_000076.2); c.391+24dupG (NM_001362475.1).
Identifiers: ClinVar variation 254879 (VCV000254879.10), dbSNP rs34289096, ClinGen allele CA5822122.

ClinVar aggregate classification (germline): Benign/Likely benign. Review status: criteria provided, multiple submitters, no conflicts (2 of 4 stars). 5 submissions from 4 submitters: Benign (3); Likely benign (1). 1 of the submissions does not count toward it. Last evaluated 2024-11-27.

Conditions:
CDKN1C-related disorder. Also called: CDKN1C-related condition.
IMAGe syndrome. Also called: Intrauterine Growth Restriction, Metaphyseal Dysplasia, Adrenal Hypoplasia Congenita, and Genital Anomalies; Intrauterine growth retardation, metaphyseal dysplasia, adrenal hypoplasia congenita, and genital anomalies. Identifiers: Orphanet 85173, MedGen C1846009, MONDO:0013873, OMIM 614732.
Beckwith-Wiedemann syndrome (BWS). Also called: EMG SYNDROME; Exomphalos macroglossia gigantism syndrome. Identifiers: Orphanet 116, MedGen C0004903, MONDO:0007534, OMIM 130650.

Submissions (5):

Blueprint Genetics
Classification: Likely benign. Last evaluated: 2024-11-27. Review status: criteria provided, single submitter. Criteria: ACMG Guidelines, 2015. Collection method: clinical testing. Allele origin: germline.

Genome-Nilou Lab
Classification: Benign for Beckwith-Wiedemann syndrome. Last evaluated: 2021-07-22. Review status: criteria provided, single submitter. Criteria: ACMG Guidelines, 2015. Collection method: clinical testing. Allele origin: germline. Affected: no.

Genome-Nilou Lab
Classification: Benign for IMAGe syndrome. Last evaluated: 2021-07-22. Review status: criteria provided, single submitter. Criteria: ACMG Guidelines, 2015. Collection method: clinical testing. Allele origin: germline. Affected: no.

GeneDx
Classification: Benign. Last evaluated: 2018-06-22. Review status: criteria provided, single submitter. Criteria: GeneDx Variant Classification Process June 2021. Collection method: clinical testing. Allele origin: germline. Affected: yes.

PreventionGenetics, part of Exact Sciences
Classification: Benign for CDKN1C-related condition. Last evaluated: 2024-09-17. Review status: no assertion criteria provided. Collection method: clinical testing. Allele origin: germline. Not counted in ClinVar's aggregate classification.
Comment: This variant is classified as benign based on ACMG/AMP sequence variant interpretation guidelines (Richards et al. 2015 PMID: 25741868, with internal and published modifications).